The following is an entry in ClinVar:

NM_006941.4(SOX10):c.125_132del (p.Leu42fs)

Genes: POLR2F (RNA polymerase II, I and III subunit F; plus strand), SOX10 (SRY-box transcription factor 10; minus strand). Cytogenetic location: 22q13.1.
Variant type: Deletion.
Coding change: c.125_132del on transcript NM_006941.4 (MANE Select); coding-DNA positions 125 to 132, 8 bases deleted (TGCGAGCC; older notation c.125_132delTGCGAGCC).
Protein change: p.Leu42fs; shifts the reading frame from leucine 42.
Molecular consequence: frameshift variant. On other transcripts: intron variant (3).
Genome position (GRCh38, 1-based): chr22:37,983,653-37,983,660, GGCTCGCA deleted on the plus strand (TGCGAGCC on the coding strand, the reverse complement: SOX10 is on the minus strand); deleting any 8 consecutive bases within chr22:37,983,653-37,983,663 gives the same sequence; the c. name uses the placement nearest the transcript's 3' end. VCF-style (leftmost placement, unchanged base first): chr22-37983652-TGGCTCGCA-T. GRCh37 (hg19) VCF-style: chr22-38379659-TGGCTCGCA-T.
Other names: c.*38+11346_*38+11353del (NM_001363825.1); c.294-2498_294-2491del (NM_001301130.2); c.293+16486_293+16493del (NM_001301131.2); c.125_132del8 (NM_006941.3); short protein forms L42fs.
Identifiers: ClinVar variation 813829 (VCV000813829.3), dbSNP rs1601887036, ClinGen allele CA915951353.

ClinVar aggregate classification (germline): Pathogenic (1 of 4 stars; one submission).

Conditions:
Hypogonadism with anosmia (KS). Also called: Anosmic idiopathic hypogonadotropic hypogonadism; Hypogonadotropic hypogonadism-anosmia syndrome; Dysplasia olfactogenitalis of De Morsier (formerly); Anosmic hypogonadism; Kallmann syndrome. Identifiers: Orphanet 478, MedGen C0162809, MONDO:0018800.

Submission:

Laboratory of Prof. Karen Avraham, Tel Aviv University
Classification: Pathogenic for Hypogonadism with anosmia. Last evaluated: 2024-11-25. Review status: criteria provided, single submitter. Criteria: ACMG Guidelines, 2015. Collection method: research. Allele origin: germline. Inheritance: Autosomal dominant inheritance. Affected: yes.
Comment: Congenital profound HL and anosmia (Kallmann syndrome)

Literature cited by the submitters: PubMed 33111345.